The following is an entry in ClinVar:

ClinVar aggregate classification (germline): Pathogenic (1 of 4 stars; one submission).

Conditions:
Hypertrophic cardiomyopathy 26. Also called: Cardiomyopathy, familial hypertrophic, 26. Identifiers: Orphanet 75249, MedGen C4310749, MONDO:0014883, OMIM 617047.

Submission:

3billion
Classification: Pathogenic for Hypertrophic cardiomyopathy 26. Last evaluated: 2024-08-11. Review status: criteria provided, single submitter. Criteria: ACMG Guidelines, 2015. Collection method: clinical testing. Allele origin: germline. Affected: yes.
Comment: The variant is not observed in the gnomAD v4.0.0 dataset. Predicted Consequence/Location: Canonical splice site: predicted to alter splicing and result in a loss or disruption of normal protein function. Multiple pathogenic loss-of-function variants are reported downstream of the variant. In silico tools predict the variant to alter splicing and produce an abnormal transcript [SpliceAI: 1.00 (spliceogenicity >=0.2, non-spliceogenicity <0.1)]. The variant has been reported to be associated with FLNC related disorder (3billion dataset). Therefore, this variant is classified as Pathogenic according to the recommendation of ACMG/AMP guideline.

NM_001458.5(FLNC):c.2550_2550+3del

Gene: FLNC (filamin C; plus strand). Cytogenetic location: 7q32.1.
Variant type: Deletion.
Coding change: c.2550_2550+3del on transcript NM_001458.5 (MANE Select); coding-DNA position 2550 through 3 bases into the intron after coding-DNA position 2550, 4 bases deleted (GGTA; older notation c.2550_2550+3delGGTA).
Molecular consequence: splice donor variant.
Genome position (GRCh38, 1-based): chr7:128,842,954-128,842,957, GGTA deleted; deleting any 4 consecutive bases within chr7:128,842,953-128,842,957 gives the same sequence; the c. name uses the placement nearest the transcript's 3' end. VCF-style (leftmost placement, unchanged base first): chr7-128842952-CAGGT-C. GRCh37 (hg19) VCF-style: chr7-128483006-CAGGT-C.
Other names: c.2550_2550+3del (NM_001127487.2).
Identifiers: ClinVar variation 4293275 (VCV004293275.1).